The following is an entry in ClinVar:

ClinVar aggregate classification (germline): Uncertain significance (1 of 4 stars; one submission).

Submission:

GeneDx
Classification: Uncertain significance. Last evaluated: 2022-01-16. Review status: criteria provided, single submitter. Criteria: GeneDx Variant Classification Process June 2021. Collection method: clinical testing. Allele origin: germline. Affected: yes.
Comment: Not observed at significant frequency in large population cohorts (gnomAD); In silico analysis supports that this missense variant does not alter protein structure/function; Has not been previously published as pathogenic or benign to our knowledge

NM_006662.3(SRCAP):c.1741A>C (p.Lys581Gln)

Gene: SRCAP (Snf2 related CREBBP activator protein; plus strand). Cytogenetic location: 16p11.2.
Variant type: single nucleotide variant.
Coding change: c.1741A>C on transcript NM_006662.3 (MANE Select); coding-DNA position 1741, A replaced by C.
Protein change: p.Lys581Gln; replaces lysine 581 with glutamine.
Molecular consequence: missense variant.
Genome position (GRCh38, 1-based): chr16:30,712,083, A>C. VCF-style: chr16-30712083-A-C. GRCh37 (hg19) VCF-style: chr16-30723404-A-C.
Other names: short protein forms K581Q.
Identifiers: ClinVar variation 1697011 (VCV001697011.2), dbSNP rs2151288569, ClinGen allele CA395606482.
Genomic context (GRCh38, chr16:30,712,083, plus strand): 5'-CAGAGTGAGGCAGATGCAGGCAGTGGGCCTCCTACTCCAGGGCCCACTACTCTAGGTCCA[A>C]AGAAAGAAATTACTGACATTGCTGCAGCAGCTGAAAGTCTCCAGCCCAAGGGTTACACGC-3'
Protein context (NP_006653.2, residues 571-591): PTPGPTTLGP[Lys581Gln]KEITDIAAAA